The following is an entry in ClinVar:

NM_002778.4(PSAP):c.940T>C (p.Tyr314His)

Gene: PSAP (prosaposin; minus strand). Cytogenetic location: 10q22.1.
Variant type: single nucleotide variant.
Coding change: c.940T>C on transcript NM_002778.4 (MANE Select); coding-DNA position 940, T replaced by C.
Protein change: p.Tyr314His; replaces tyrosine 314 with histidine.
Molecular consequence: missense variant.
Genome position (GRCh38, 1-based): chr10:71,820,305, A>G on the plus strand (T>C on the coding strand, the complement: PSAP is on the minus strand). VCF-style: chr10-71820305-A-G. GRCh37 (hg19) VCF-style: chr10-73580062-A-G.
Other names: c.949T>C, p.Tyr317His (NM_001042465.3); c.946T>C, p.Tyr316His (NM_001042466.3); c.940T>C (NM_002778.2); short protein forms Y316H, Y317H, Y314H.
Identifiers: ClinVar variation 1464175 (VCV001464175.5), dbSNP rs202041927, ClinGen allele CA5547555.
Genomic context (GRCh38, chr10:71,820,305, plus strand): 5'-TCTTGTTGTTGTCAATCAGCTTGGTCACCTCCTTCACCAGGAATTCACACACCTCACAGT[A>G]AACATCAGACTTTGCTGGGACCTCGTGCTTCTGTGGAAAGAGTAGAAGGAGAGTACTTTC-3'
Protein context (NP_002769.1, residues 304-324): KHEVPAKSDV[Tyr314His]CEVCEFLVKE

ClinVar aggregate classification (germline): Uncertain significance. Review status: criteria provided, multiple submitters, no conflicts (2 of 4 stars). 3 submissions from 3 submitters: Uncertain significance (3). Last evaluated 2026-06-24.

Conditions:
Inborn genetic diseases. Identifiers: MedGen C0950123, MeSH D030342.
Sphingolipid activator protein 1 deficiency. Also called: METACHROMATIC LEUKODYSTROPHY DUE TO CEREBROSIDE SULFATASE ACTIVATOR DEFICIENCY; Saposin B Deficiency; Metachromatic leukodystrophy due to saposin B deficiency. Identifiers: Orphanet 512, MedGen C0268262, MONDO:0009590, OMIM 249900.

Allele frequency attached by ClinVar (database versions not stated): ExAC 0.00002; gnomAD 0.00006 and 0.00005; gnomAD exomes 0.00001; 1000 Genomes Project 30x 0.00016; TOPMed 0.00005; 1000 Genomes Project 0.00020; ESP Exome Variant Server 0.00008.
gnomAD v4.1: 11 of 1,614,170 alleles (0.00068%); highest among the groups gnomAD compares: African/African-American, 0.013%; no homozygotes.

Submissions (3):

Women's Health and Genetics/Laboratory Corporation of America, LabCorp
Classification: Uncertain significance. Last evaluated: 2026-06-24. Review status: criteria provided, single submitter. Criteria: LabCorp Variant Classification Summary - May 2015. Collection method: clinical testing. Allele origin: germline.
Comment: Variant summary: PSAP c.940T>C (p.Tyr314His) results in a conservative amino acid change in the encoded protein sequence. Algorithms developed to predict the effect of missense changes on protein structure and function all suggest that this variant is likely to be tolerated. The variant allele was found at a frequency of 1.2e-05 in 251496 control chromosomes. The available data on variant occurrences in the general population are insufficient to allow any conclusion about variant significance. To our knowledge, no occurrence of c.940T>C in individuals affected with PSAP-related conditions and no experimental evidence demonstrating its impact on protein function have been reported. ClinVar contains an entry for this variant (Variation ID: 1464175). Based on the evidence outlined above, the variant was classified as uncertain significance.

Ambry Genetics
Classification: Uncertain significance for Inborn genetic diseases. Last evaluated: 2025-06-26. Review status: criteria provided, single submitter. Criteria: Ambry Variant Classification Scheme 2023. Collection method: clinical testing. Allele origin: germline.

Labcorp Genetics (formerly Invitae), Labcorp
Classification: Uncertain significance for Sphingolipid activator protein 1 deficiency. Last evaluated: 2022-07-19. Review status: criteria provided, single submitter. Criteria: Invitae Variant Classification Sherloc (09022015). Collection method: clinical testing. Allele origin: germline.
Comment: This sequence change replaces tyrosine, which is neutral and polar, with histidine, which is basic and polar, at codon 314 of the PSAP protein (p.Tyr314His). This variant is present in population databases (rs202041927, gnomAD 0.02%). This variant has not been reported in the literature in individuals affected with PSAP-related conditions. ClinVar contains an entry for this variant (Variation ID: 1464175). Algorithms developed to predict the effect of missense changes on protein structure and function are either unavailable or do not agree on the potential impact of this missense change (SIFT: "Not Available"; PolyPhen-2: "Possibly Damaging"; Align-GVGD: "Not Available"). In summary, the available evidence is currently insufficient to determine the role of this variant in disease. Therefore, it has been classified as a Variant of Uncertain Significance.